The following is an entry in ClinVar:

ClinVar aggregate classification (germline): Uncertain significance (1 of 4 stars; one submission).

Submission:

Labcorp Genetics (formerly Invitae), Labcorp
Classification: Uncertain significance. Last evaluated: 2021-12-03. Review status: criteria provided, single submitter. Criteria: Invitae Variant Classification Sherloc (09022015). Collection method: clinical testing. Allele origin: germline.
Comment: In summary, the available evidence is currently insufficient to determine the role of this variant in disease. Therefore, it has been classified as a Variant of Uncertain Significance. Algorithms developed to predict the effect of missense changes on protein structure and function (SIFT, PolyPhen-2, Align-GVGD) all suggest that this variant is likely to be tolerated. This variant has not been reported in the literature in individuals affected with NDUFAF1-related conditions. This variant is not present in population databases (gnomAD no frequency). This sequence change replaces lysine, which is basic and polar, with asparagine, which is neutral and polar, at codon 224 of the NDUFAF1 protein (p.Lys224Asn).

NM_016013.4(NDUFAF1):c.672G>T (p.Lys224Asn)

Gene: NDUFAF1 (NADH:ubiquinone oxidoreductase complex assembly factor 1; minus strand). Cytogenetic location: 15q15.1.
Variant type: single nucleotide variant.
Coding change: c.672G>T on transcript NM_016013.4 (MANE Select); coding-DNA position 672, G replaced by T.
Protein change: p.Lys224Asn; replaces lysine 224 with asparagine.
Molecular consequence: missense variant. On other transcripts: non-coding transcript variant (1).
Genome position (GRCh38, 1-based): chr15:41,394,946, C>A on the plus strand (G>T on the coding strand, the complement: NDUFAF1 is on the minus strand). VCF-style: chr15-41394946-C-A. GRCh37 (hg19) VCF-style: chr15-41687144-C-A.
Other names: short protein forms K224N.
Identifiers: ClinVar variation 1492855 (VCV001492855.6), dbSNP rs2140919044, ClinGen allele CA391809535.